The following is an entry in ClinVar:

ClinVar aggregate classification (germline): Pathogenic. Review status: criteria provided, multiple submitters, no conflicts (2 of 4 stars). 3 submissions from 3 submitters: Pathogenic (3). Last evaluated 2025-02-15.

Conditions:
Hereditary cancer-predisposing syndrome. Also called: Neoplastic Syndromes, Hereditary; Tumor predisposition; Hereditary Cancer Syndrome; Hereditary neoplastic syndrome. Identifiers: Orphanet 140162, MedGen C0027672, MeSH D009386, MONDO:0015356.
Familial adenomatous polyposis 1 (FAP1). Also called: FAMILIAL ADENOMATOUS POLYPOSIS 1, ATTENUATED; POLYPOSIS, ADENOMATOUS INTESTINAL. Identifiers: MedGen C2713442, MONDO:0021056, OMIM 175100. Disease mechanism: loss of function.

Submissions (3):

Labcorp Genetics (formerly Invitae), Labcorp
Classification: Pathogenic for Familial adenomatous polyposis 1. Last evaluated: 2025-02-15. Review status: criteria provided, single submitter. Criteria: Invitae Variant Classification Sherloc (09022015). Collection method: clinical testing. Allele origin: germline.
Comment: This sequence change creates a premature translational stop signal (p.Gln1152Argfs*13) in the APC gene. While this is not anticipated to result in nonsense mediated decay, it is expected to disrupt the last 1692 amino acid(s) of the APC protein. This variant is not present in population databases (gnomAD no frequency). This variant has not been reported in the literature in individuals affected with APC-related conditions. ClinVar contains an entry for this variant (Variation ID: 1731589). This variant is expected to disrupt the EB1 and HDLG binding sites, which mediate interactions with the cytoskeleton (PMID: 15311282, 17293347). While functional studies have not been performed to directly test the effect on APC protein function, this suggests that disruption of the C-terminal portion of the protein is functionally important. A different truncation (p.Tyr2645Lysfs*14) that lies downstream of this variant has been determined to be pathogenic (PMID: 9824584, 1316610, 27081525, 8381579, 22135120, internal data). This suggests that deletion of this region of the APC protein is causative of disease. For these reasons, this variant has been classified as Pathogenic.

Myriad Genetics, Inc.
Classification: Pathogenic for Familial adenomatous polyposis 1. Last evaluated: 2023-05-08. Review status: criteria provided, single submitter. Criteria: Myriad Autosomal Dominant, Autosomal Recessive and X-Linked Classification Criteria (2023). Collection method: clinical testing. Allele origin: unknown.
Comment: This variant is considered pathogenic. This variant creates a frameshift predicted to result in premature protein truncation.

Ambry Genetics
Classification: Pathogenic for Hereditary cancer-predisposing syndrome. Last evaluated: 2022-06-08. Review status: criteria provided, single submitter. Criteria: Ambry Variant Classification Scheme 2023. Collection method: clinical testing. Allele origin: germline.
Comment: The c.3455delA pathogenic mutation, located in coding exon 15 of the APC gene, results from a deletion of one nucleotide at nucleotide position 3455, causing a translational frameshift with a predicted alternate stop codon (p.Q1152Rfs*13). This alteration occurs at the 3' terminus of theAPC gene, is not expected to trigger nonsense-mediated mRNA decay, and impacts the last 1692 amino acids of the protein. However, premature stop codons are typically deleterious in nature and the impacted region is critical for protein function and a significant portion of the protein is affected (Ambry internal data). This variant is considered to be rare based on population cohorts in the Genome Aggregation Database (gnomAD). Based on the supporting evidence, this alteration is interpreted as a disease-causing mutation.

Literature cited by the submitters: PubMed 15311282 (cited by Labcorp Genetics (formerly Invitae), Labcorp); PubMed 17293347 (cited by Labcorp Genetics (formerly Invitae), Labcorp); PubMed 9824584 (cited by Labcorp Genetics (formerly Invitae), Labcorp); PubMed 1316610 (cited by Labcorp Genetics (formerly Invitae), Labcorp); PubMed 27081525 (cited by Labcorp Genetics (formerly Invitae), Labcorp); PubMed 8381579 (cited by Labcorp Genetics (formerly Invitae), Labcorp); PubMed 22135120 (cited by Labcorp Genetics (formerly Invitae), Labcorp).

NM_000038.6(APC):c.3455del (p.Gln1152fs)

Gene: APC (APC regulator of Wnt signaling pathway; plus strand). Cytogenetic location: 5q22.2.
Variant type: Deletion.
Coding change: c.3455del on transcript NM_000038.6 (MANE Select); coding-DNA position 3455, one base deleted (A; older notation c.3455delA).
Protein change: p.Gln1152fs; shifts the reading frame from glutamine 1152.
Molecular consequence: frameshift variant.
Genome position (GRCh38, 1-based): chr5:112,839,049, A deleted. VCF-style (leftmost placement, unchanged base first): chr5-112839048-CA-C. GRCh37 (hg19) VCF-style: chr5-112174745-CA-C.
Other names: c.3455del, p.Gln1152fs (NM_001127510.3, NM_001354895.2); c.3401del, p.Gln1134fs (NM_001127511.3); c.3509del, p.Gln1170fs (NM_001354896.2); c.3485del, p.Gln1162fs (NM_001354897.2); c.3380del, p.Gln1127fs (NM_001354898.2); c.3371del, p.Gln1124fs (NM_001354899.2); c.3332del, p.Gln1111fs (NM_001354900.2); c.3278del, p.Gln1093fs (NM_001354901.2); and 16 more; short protein forms Q1061fs, Q1093fs, Q1111fs, Q1026fs, Q1051fs, Q1124fs, Q1127fs, Q1162fs.
Identifiers: ClinVar variation 1731589 (VCV001731589.4), dbSNP rs2533499491, ClinGen allele CA2580072950.